The following is an entry in ClinVar:

NC_000007.13:g.(147092873_147183026)_(147183134_147259229)del

Gene: CNTNAP2 (contactin associated protein 2; plus strand). Cytogenetic location: 7q35.
Variant type: Deletion.
Identifiers: ClinVar variation 4887255 (VCV004887255.1).

ClinVar aggregate classification (germline): Uncertain significance (1 of 4 stars; one submission).

Submission:

Women's Health and Genetics/Laboratory Corporation of America, LabCorp
Classification: Uncertain significance. Last evaluated: 2026-06-15. Review status: criteria provided, single submitter. Criteria: LabCorp Variant Classification Summary - May 2015. Collection method: clinical testing. Allele origin: germline.
Comment: Variant summary: The variant involves the deletion of exon 11 in the CNTNAP2 gene. A presumed nomenclature of c.(1670+1_1671-1)_(1777+1_1778-1)del has been designated for the purposes of this classification. This Copy Number Variant (CNV) is expected to alter the reading frame and predicted to result in a truncation or absence of the encoded protein due to nonsense mediated decay (NMD), however current evidence is not sufficient to establish loss of function as a mechanism for disease. The variant was absent in 21694 control chromosomes. The available data on variant occurrences in the general population are insufficient to allow any conclusion about variant significance. To our knowledge, no occurrence of c.(1670+1_1671-1)_(1777+1_1778-1)del in individuals affected with CNTNAP2-related conditions and no experimental evidence demonstrating its impact on protein function have been reported. No submitters have cited clinical-significance assessments for this variant to ClinVar. Based on the evidence outlined above, the variant was classified as uncertain significance.